The following is an entry in ClinVar:

ClinVar aggregate classification (germline): Uncertain significance (1 of 4 stars; one submission).

Submission:

Women's Health and Genetics/Laboratory Corporation of America, LabCorp
Classification: Uncertain significance. Last evaluated: 2025-11-24. Review status: criteria provided, single submitter. Criteria: LabCorp Variant Classification Summary - May 2015. Collection method: clinical testing. Allele origin: germline.
Comment: Variant summary: The variant involves the duplication of exons 1-3 in the CACNA1D gene. A presumed nomenclature of c.(?_-557)_(483+1_484-1)dup has been designated for the purposes of this classification. The exact breakpoint at the 5' end of this variant is unknown, therefore this duplication may extend upstream of the annotated region of this gene. It is predicted to duplicate a segment including the initiation codon, therefore its impact on the encoded protein is unknown. The variant was absent in 21694 control chromosomes (gnomAD SVs). The available data on variant occurrences in the general population are insufficient to allow any conclusion about variant significance. To our knowledge, no occurrence of c.(?_-557)_(483+1_484-1)dup in individuals affected with CACNA1D-related conditions and no experimental evidence demonstrating its impact on protein function have been reported. No submitters have cited clinical-significance assessments for this variant to ClinVar. Based on the evidence outlined above, the variant was classified as uncertain significance.

NC_000003.11:g.(?_53528637)_(53535748_53684805)dup

Gene: CACNA1D (calcium voltage-gated channel subunit alpha1 D; plus strand). Cytogenetic location: 3p21.1.
Variant type: Duplication.
Identifiers: ClinVar variation 4537235 (VCV004537235.1).